The following is an entry in ClinVar:

NM_002857.4(PEX19):c.817-8T>G

Gene: PEX19 (peroxisomal biogenesis factor 19; minus strand). Cytogenetic location: 1q23.2.
Variant type: single nucleotide variant.
Coding change: c.817-8T>G on transcript NM_002857.4 (MANE Select); 8 bases into the intron before coding-DNA position 817, T replaced by G.
Molecular consequence: intron variant.
Genome position (GRCh38, 1-based): chr1:160,279,642, A>C on the plus strand (T>G on the coding strand, the complement: PEX19 is on the minus strand). VCF-style: chr1-160279642-A-C. GRCh37 (hg19) VCF-style: chr1-160249432-A-C.
Other names: c.817-60T>G (NM_001193644.1).
Identifiers: ClinVar variation 3053625 (VCV003053625.2), dbSNP rs2525302728, ClinGen allele CA2573933575.
Genomic context (GRCh38, chr1:160,279,642, plus strand): 5'-CCTGGTGGGCCCGAAAGATTGAGGGCATCCAGGTCAAAGTTGAGGCCAGGAGGCTGGGGA[A>C]GAGATGAAGGGACTCAGATAGTTGCTCATTTTTTAGGACAGACGTGAAGATCCATCCCCA-3'

ClinVar aggregate classification (germline): Likely benign (0 of 4 stars; one submission).

Conditions:
PEX19-related disorder. Also called: PEX19-related condition.

Submission:

PreventionGenetics, part of Exact Sciences
Classification: Likely benign for PEX19-related condition. Last evaluated: 2022-11-28. Review status: no assertion criteria provided. Collection method: clinical testing. Allele origin: germline.
Comment: This variant is classified as likely benign based on ACMG/AMP sequence variant interpretation guidelines (Richards et al. 2015 PMID: 25741868, with internal and published modifications).